The following is an entry in ClinVar:

ClinVar aggregate classification (germline): Uncertain significance (1 of 4 stars; one submission).

Submission:

Labcorp Genetics (formerly Invitae), Labcorp
Classification: Uncertain significance. Last evaluated: 2023-10-23. Review status: criteria provided, single submitter. Criteria: Invitae Variant Classification Sherloc (09022015). Collection method: clinical testing. Allele origin: germline.
Comment: This sequence change replaces asparagine, which is neutral and polar, with lysine, which is basic and polar, at codon 296 of the KIF20A protein (p.Asn296Lys). This variant is not present in population databases (gnomAD no frequency). This variant has not been reported in the literature in individuals affected with KIF20A-related conditions. An algorithm developed to predict the effect of missense changes on protein structure and function (PolyPhen-2) suggests that this variant is likely to be tolerated. In summary, the available evidence is currently insufficient to determine the role of this variant in disease. Therefore, it has been classified as a Variant of Uncertain Significance.

NM_005733.3(KIF20A):c.888C>A (p.Asn296Lys)

Gene: KIF20A (kinesin family member 20A; plus strand). Cytogenetic location: 5q31.2.
Variant type: single nucleotide variant.
Coding change: c.888C>A on transcript NM_005733.3 (MANE Select); coding-DNA position 888, C replaced by A.
Protein change: p.Asn296Lys; replaces asparagine 296 with lysine.
Molecular consequence: missense variant.
Genome position (GRCh38, 1-based): chr5:138,183,224, C>A. VCF-style: chr5-138183224-C-A. GRCh37 (hg19) VCF-style: chr5-137518913-C-A.
Other names: short protein forms N296K.
Identifiers: ClinVar variation 2822080 (VCV002822080.3), dbSNP rs2482180983, ClinGen allele CA361114493.